The following is an entry in ClinVar:

ClinVar aggregate classification (germline): Likely benign. Review status: criteria provided, single submitter (1 of 4 stars). 2 submissions from 2 submitters: Likely benign (1). 1 of the submissions does not count toward it. Last evaluated 2021-07-21.

Conditions:
IGSF10-related disorder. Also called: IGSF10-related condition.

Allele frequency attached by ClinVar (database versions not stated): ESP Exome Variant Server 0.00008; ExAC 0.00021; gnomAD 0.00026 and 0.00028; gnomAD exomes 0.00029.
gnomAD v4.1: 329 of 1,613,922 alleles (0.02%); highest among the groups gnomAD compares: Non-Finnish European, 0.016%; no homozygotes.

Submissions (2):

Labcorp Genetics (formerly Invitae), Labcorp
Classification: Likely benign. Last evaluated: 2021-07-21. Review status: criteria provided, single submitter. Criteria: Invitae Variant Classification Sherloc (09022015). Collection method: clinical testing. Allele origin: germline.

PreventionGenetics, part of Exact Sciences
Classification: Likely benign for IGSF10-related condition. Last evaluated: 2019-05-03. Review status: no assertion criteria provided. Collection method: clinical testing. Allele origin: germline. Not counted in ClinVar's aggregate classification.
Comment: This variant is classified as likely benign based on ACMG/AMP sequence variant interpretation guidelines (Richards et al. 2015 PMID: 25741868, with internal and published modifications).

NM_178822.5(IGSF10):c.3321G>A (p.Gln1107=)

Gene: IGSF10 (immunoglobulin superfamily member 10; minus strand). Cytogenetic location: 3q25.1.
Variant type: single nucleotide variant.
Coding change: c.3321G>A on transcript NM_178822.5 (MANE Select); coding-DNA position 3321, G replaced by A.
Protein change: p.Gln1107=; no amino-acid change (glutamine 1107 retained).
Molecular consequence: synonymous variant.
Genome position (GRCh38, 1-based): chr3:151,446,660, C>T on the plus strand (G>A on the coding strand, the complement: IGSF10 is on the minus strand). VCF-style: chr3-151446660-C-T. GRCh37 (hg19) VCF-style: chr3-151164448-C-T.
Other names: c.3321G>A, p.Gln1107= (NM_001385060.1, NM_001385061.1, NM_001385062.1 and 1 more transcripts); c.3321G>A (NM_178822.4).
Identifiers: ClinVar variation 1557961 (VCV001557961.10), dbSNP rs147678532, ClinGen allele CA2670193.